The following is an entry in ClinVar:

ClinVar aggregate classification (germline): Likely benign (1 of 4 stars; one submission).

gnomAD v4.1: 4 of 1,611,636 alleles (0.00025%); highest among the groups gnomAD compares: Non-Finnish European, 0.00034%; no homozygotes.

Submission:

Mayo Clinic Laboratories, Mayo Clinic
Classification: Likely benign. Last evaluated: 2025-05-07. Review status: criteria provided, single submitter. Criteria: ACMG Guidelines, 2015. Collection method: clinical testing. Allele origin: germline. Observed: 1 variant allele.
Comment: BP4, BP7

NM_000414.4(HSD17B4):c.868+27C>T

Gene: HSD17B4 (hydroxysteroid 17-beta dehydrogenase 4; plus strand). Cytogenetic location: 5q23.1.
Variant type: single nucleotide variant.
Coding change: c.868+27C>T on transcript NM_000414.4 (MANE Select); 27 bases into the intron after coding-DNA position 868, C replaced by T.
Molecular consequence: intron variant.
Genome position (GRCh38, 1-based): chr5:119,493,973, C>T. VCF-style: chr5-119493973-C-T. GRCh37 (hg19) VCF-style: chr5-118829668-C-T.
Other names: p.?; c.457+27C>T (NM_001374503.1, NM_001374502.1, NM_001374501.1); c.943+27C>T (NM_001199291.3); c.541+27C>T (NM_001374499.1); c.427+27C>T (NM_001374500.1); c.448+27C>T (NM_001292028.2); c.796+27C>T (NM_001292027.2); c.868+27C>T (NM_001374498.1); and 2 more.
Identifiers: ClinVar variation 4684857 (VCV004684857.1).